The following is an entry in ClinVar:

NM_014727.3(KMT2B):c.7465A>C (p.Lys2489Gln)

Gene: KMT2B (lysine methyltransferase 2B; plus strand). Cytogenetic location: 19q13.12.
Variant type: single nucleotide variant.
Coding change: c.7465A>C on transcript NM_014727.3 (MANE Select); coding-DNA position 7465, A replaced by C.
Protein change: p.Lys2489Gln; replaces lysine 2489 with glutamine.
Molecular consequence: missense variant.
Genome position (GRCh38, 1-based): chr19:35,737,178, A>C. VCF-style: chr19-35737178-A-C. GRCh37 (hg19) VCF-style: chr19-36228079-A-C.
Other names: short protein forms K2489Q.
Identifiers: ClinVar variation 3368291 (VCV003368291.1).
Genomic context (GRCh38, chr19:35,737,178, plus strand): 5'-CATGATGCTGTCATCTTCCTGGCCGAGCAGCTCCCCGGAGCCCAGCGTTGCCAGCACTAT[A>C]AGTTCCGTTACCACCAGCAGGGAGAGGGCCAGGAGGAGCCGCCCCTGAATCCCCATGGGG-3'
Protein context (NP_055542.1, residues 2479-2499): LPGAQRCQHY[Lys2489Gln]FRYHQQGEGQ

ClinVar aggregate classification (germline): Uncertain significance (1 of 4 stars; one submission).

Submission:

GeneDx
Classification: Uncertain significance. Last evaluated: 2024-01-29. Review status: criteria provided, single submitter. Criteria: GeneDx Variant Classification Process June 2021. Collection method: clinical testing. Allele origin: germline. Affected: yes.
Comment: Not observed at significant frequency in large population cohorts (gnomAD); In silico analysis supports that this missense variant does not alter protein structure/function; Has not been previously published as pathogenic or benign to our knowledge